The following is an entry in ClinVar:

ClinVar aggregate classification (germline): Uncertain significance (1 of 4 stars; one submission).

Allele frequency attached by ClinVar (database versions not stated): gnomAD exomes below 0.00001 and 0.00001; TOPMed below 0.00001; ExAC 0.00001; gnomAD 0.00001.
gnomAD v4.1: 5 of 1,614,074 alleles (0.00031%); highest among the groups gnomAD compares: South Asian, 0.0011%; no homozygotes.

Submission:

Labcorp Genetics (formerly Invitae), Labcorp
Classification: Uncertain significance. Last evaluated: 2024-07-22. Review status: criteria provided, single submitter. Criteria: Invitae Variant Classification Sherloc (09022015). Collection method: clinical testing. Allele origin: germline.
Comment: This sequence change replaces isoleucine, which is neutral and non-polar, with valine, which is neutral and non-polar, at codon 525 of the SNRNP200 protein (p.Ile525Val). This variant is present in population databases (rs768119313, gnomAD 0.003%). This variant has not been reported in the literature in individuals affected with SNRNP200-related conditions. ClinVar contains an entry for this variant (Variation ID: 1504222). Advanced modeling of protein sequence and biophysical properties (such as structural, functional, and spatial information, amino acid conservation, physicochemical variation, residue mobility, and thermodynamic stability) performed at Invitae indicates that this missense variant is not expected to disrupt SNRNP200 protein function with a negative predictive value of 80%. In summary, the available evidence is currently insufficient to determine the role of this variant in disease. Therefore, it has been classified as a Variant of Uncertain Significance.

NM_014014.5(SNRNP200):c.1573A>G (p.Ile525Val)

Gene: SNRNP200 (small nuclear ribonucleoprotein U5 subunit 200; minus strand). Cytogenetic location: 2q11.2.
Variant type: single nucleotide variant.
Coding change: c.1573A>G on transcript NM_014014.5 (MANE Select); coding-DNA position 1573, A replaced by G.
Protein change: p.Ile525Val; replaces isoleucine 525 with valine.
Molecular consequence: missense variant.
Genome position (GRCh38, 1-based): chr2:96,296,634, T>C on the plus strand (A>G on the coding strand, the complement: SNRNP200 is on the minus strand). VCF-style: chr2-96296634-T-C. GRCh37 (hg19) VCF-style: chr2-96962372-T-C.
Other names: short protein forms I525V.
Identifiers: ClinVar variation 1504222 (VCV001504222.8), dbSNP rs768119313, ClinGen allele CA1778893.